The following is an entry in ClinVar:

ClinVar aggregate classification (germline): Likely pathogenic (1 of 4 stars; one submission).

Conditions:
Autosomal recessive osteopetrosis 1. Also called: TCIRG1-Related Autosomal Recessive Osteopetrosis; ALBERS-SCHONBERG DISEASE, AUTOSOMAL RECESSIVE; TCIRG1-Related Osteopetrosis. Identifiers: Orphanet 667, MedGen C1850127, MONDO:0009815, OMIM 259700.

Submission:

Myriad Genetics, Inc.
Classification: Likely pathogenic for Autosomal recessive osteopetrosis 1. Last evaluated: 2022-03-30. Review status: criteria provided, single submitter. Criteria: Myriad Women's Health Autosomal Recessive and X-Linked Classification Criteria (2021). Collection method: clinical testing. Allele origin: unknown.
Comment: NM_006019.3(TCIRG1):c.1323_1324delCA(F441Lfs*48) is expected to be pathogenic in the context of autosomal recessive osteopetrosis type 1. This variant is predicted to lead to an abnormal or absent protein product due to the creation of a premature termination codon in TCIRG1, a gene where loss-of-function variants are known to be pathogenic. Please note: this variant was assessed in the context of healthy population screening.

NM_006019.4(TCIRG1):c.1323_1324del (p.Phe441fs)

Gene: TCIRG1 (T cell immune regulator 1, ATPase H+ transporting V0 subunit a3; plus strand). Cytogenetic location: 11q13.2.
Variant type: Deletion.
Coding change: c.1323_1324del on transcript NM_006019.4 (MANE Select); coding-DNA positions 1323 to 1324, 2 bases deleted (CA; older notation c.1323_1324delCA).
Protein change: p.Phe441fs; shifts the reading frame from phenylalanine 441.
Molecular consequence: frameshift variant.
Genome position (GRCh38, 1-based): chr11:68,047,664-68,047,665, CA deleted. VCF-style (leftmost placement, unchanged base first): chr11-68047663-TCA-T. GRCh37 (hg19) VCF-style: chr11-67815130-TCA-T.
Other names: c.429_430del, p.Phe143fs (NM_001351059.2); c.675_676del, p.Phe225fs (NM_006053.4); short protein forms F143fs, F225fs, F441fs.
Identifiers: ClinVar variation 1725604 (VCV001725604.2), dbSNP rs2495646107, ClinGen allele CA2580084806.
Genomic context (GRCh38, chr11:68,047,663, plus strand): 5'-GTAGCAGGGCCAGGCAGCCCCTCACCACACCACTGCCCCCCCAGATCTGGCAGACTTTCT[TCA>T]GGGGCCGCTACCTGCTCCTGCTTATGGGCCTGTTCTCCATCTACACCGGCTTCATCTACA-3'